The following is an entry in ClinVar:

NM_005445.4(SMC3):c.1843T>C (p.Tyr615His)

Gene: SMC3 (structural maintenance of chromosomes 3; plus strand). Cytogenetic location: 10q25.2.
Variant type: single nucleotide variant.
Coding change: c.1843T>C on transcript NM_005445.4 (MANE Select); coding-DNA position 1843, T replaced by C.
Protein change: p.Tyr615His; replaces tyrosine 615 with histidine.
Molecular consequence: missense variant.
Genome position (GRCh38, 1-based): chr10:110,593,103, T>C. VCF-style: chr10-110593103-T-C. GRCh37 (hg19) VCF-style: chr10-112352861-T-C.
Other names: short protein forms Y615H.
Identifiers: ClinVar variation 5007510 (VCV005007510.2).

ClinVar aggregate classification (germline): Uncertain significance (1 of 4 stars; one submission).

Conditions:
Cornelia de Lange syndrome 3 (CDLS3). Also called: SMC3-Related Cornelia de Lange Syndrome; CORNELIA DE LANGE SYNDROME 3 WITH OR WITHOUT MIDLINE BRAIN DEFECTS. Identifiers: Orphanet 199, MedGen C1853099, MONDO:0012555, OMIM 610759.

Submission:

Juno Genomics, Hangzhou Juno Genomics, Inc
Classification: Uncertain significance for Cornelia de Lange syndrome 3. Review status: criteria provided, single submitter. Criteria: ACMG Guidelines, 2015. Collection method: clinical testing. Allele origin: germline.
Comment: Absent from controls (or at extremely low frequency if recessive) in Genome Aggregation Database.;Missense variant in a gene that has a low rate of benign missense variation.;Multiple lines of computational evidence support a deleterious effect on the gene or gene product.